The following is an entry in ClinVar:

ClinVar aggregate classification (germline): Uncertain significance. Review status: criteria provided, single submitter (1 of 4 stars). 2 submissions from 2 submitters: Uncertain significance (1). 1 of the submissions does not count toward it. Last evaluated 2022-07-25.

Conditions:
MKKS-related disorder. Also called: MKKS-related condition; MKKS-related disorders.
Bardet-Biedl syndrome (BBS). Identifiers: Orphanet 110, MedGen C0752166, MONDO:0015229.
McKusick-Kaufman syndrome (MKKS). Also called: HYDROMETROCOLPOS SYNDROME; HYDROMETROCOLPOS, POSTAXIAL POLYDACTYLY, AND CONGENITAL HEART MALFORMATION. Identifiers: Orphanet 2473, MedGen C0948368, MONDO:0009367, OMIM 236700.

Allele frequency attached by ClinVar (database versions not stated): ExAC 0.00003; TOPMed 0.00003; gnomAD exomes 0.00004; gnomAD 0.00005; ESP Exome Variant Server 0.00015.
gnomAD v4.1: 69 of 1,614,004 alleles (0.0043%); highest among the groups gnomAD compares: African/African-American, 0.0067%; no homozygotes.

Submissions (2):

Labcorp Genetics (formerly Invitae), Labcorp
Classification: Uncertain significance for McKusick-Kaufman syndrome; Bardet-Biedl syndrome. Last evaluated: 2022-07-25. Review status: criteria provided, single submitter. Criteria: Invitae Variant Classification Sherloc (09022015). Collection method: clinical testing. Allele origin: germline.
Comment: This sequence change replaces histidine, which is basic and polar, with asparagine, which is neutral and polar, at codon 287 of the MKKS protein (p.His287Asn). This variant is present in population databases (rs140989772, gnomAD 0.004%). This variant has not been reported in the literature in individuals affected with MKKS-related conditions. Algorithms developed to predict the effect of missense changes on protein structure and function (SIFT, PolyPhen-2, Align-GVGD) all suggest that this variant is likely to be tolerated. In summary, the available evidence is currently insufficient to determine the role of this variant in disease. Therefore, it has been classified as a Variant of Uncertain Significance.

PreventionGenetics, part of Exact Sciences
Classification: Uncertain significance for MKKS-related condition. Last evaluated: 2024-06-13. Review status: no assertion criteria provided. Collection method: clinical testing. Allele origin: germline. Not counted in ClinVar's aggregate classification.
Comment: The MKKS c.859C>A variant is predicted to result in the amino acid substitution p.His287Asn. To our knowledge, this variant has not been reported in the literature. This variant is reported in 0.0040% of alleles in individuals of African descent in gnomAD. At this time, the clinical significance of this variant is uncertain due to the absence of conclusive functional and genetic evidence.

NM_170784.3(MKKS):c.859C>A (p.His287Asn)

Gene: MKKS (MKKS centrosomal shuttling protein; minus strand). Cytogenetic location: 20p12.2.
Variant type: single nucleotide variant.
Coding change: c.859C>A on transcript NM_170784.3 (MANE Select); coding-DNA position 859, C replaced by A.
Protein change: p.His287Asn; replaces histidine 287 with asparagine.
Molecular consequence: missense variant.
Genome position (GRCh38, 1-based): chr20:10,412,656, G>T on the plus strand (C>A on the coding strand, the complement: MKKS is on the minus strand). VCF-style: chr20-10412656-G-T. GRCh37 (hg19) VCF-style: chr20-10393304-G-T.
Other names: c.859C>A, p.His287Asn (NM_018848.3); short protein forms H287N.
Identifiers: ClinVar variation 2019005 (VCV002019005.3), dbSNP rs140989772, ClinGen allele CA9763614.